The following is an entry in ClinVar:

ClinVar aggregate classification (germline): Uncertain significance (1 of 4 stars; one submission).

Submission:

GeneDx
Classification: Uncertain significance. Last evaluated: 2026-08-22. Review status: criteria provided, single submitter. Criteria: GeneDx Variant Classification Process June 2021. Collection method: clinical testing. Allele origin: germline.
Comment: Not observed at significant frequency in large population cohorts (gnomAD); In silico analysis supports that this missense variant has a deleterious effect on protein structure/function; Has not been previously published as pathogenic or benign to our knowledge

NM_001378120.1(MBD5):c.4901G>A (p.Gly1634Glu)

Gene: MBD5 (methyl-CpG binding domain protein 5; plus strand). Cytogenetic location: 2q23.1.
Variant type: single nucleotide variant.
Coding change: c.4901G>A on transcript NM_001378120.1 (MANE Select); coding-DNA position 4901, G replaced by A.
Protein change: p.Gly1634Glu; replaces glycine 1634 with glutamic acid.
Molecular consequence: missense variant.
Genome position (GRCh38, 1-based): chr2:148,490,533, G>A. VCF-style: chr2-148490533-G-A. GRCh37 (hg19) VCF-style: chr2-149248102-G-A.
Other names: c.4202G>A, p.Gly1401Glu (NM_018328.5); short protein forms G1401E, G1634E.
Identifiers: ClinVar variation 3381527 (VCV003381527.2).